The following is an entry in ClinVar:

NM_000138.5(FBN1):c.5225-13T>G

Gene: FBN1 (fibrillin 1; minus strand). Cytogenetic location: 15q21.1.
Variant type: single nucleotide variant.
Coding change: c.5225-13T>G on transcript NM_000138.5 (MANE Select); 13 bases into the intron before coding-DNA position 5225, T replaced by G.
Molecular consequence: intron variant.
Genome position (GRCh38, 1-based): chr15:48,460,330, A>C on the plus strand (T>G on the coding strand, the complement: FBN1 is on the minus strand). VCF-style: chr15-48460330-A-C. GRCh37 (hg19) VCF-style: chr15-48752527-A-C.
Identifiers: ClinVar variation 379522 (VCV000379522.24), dbSNP rs367786211, ClinGen allele CA054471.

ClinVar aggregate classification (germline): Likely benign. Review status: criteria provided, multiple submitters, no conflicts (2 of 4 stars). 7 submissions from 7 submitters: Likely benign (7). Last evaluated 2025-10-03.

Conditions:
Familial thoracic aortic aneurysm and aortic dissection (TAAD). Also called: Thoracic aortic aneurysms and dissections. Identifiers: Orphanet 91387, MedGen C4707243, MONDO:0019625.
Marfan syndrome (MFS). Also called: Marfan syndrome, classic; Marfan syndrome type 1; Marfan's syndrome; MARFAN SYNDROME, TYPE I; FBN1-Related Marfan Syndrome. Identifiers: Orphanet 284963, Orphanet 558, MedGen C0024796, MONDO:0007947, OMIM 154700.

Allele frequency attached by ClinVar (database versions not stated): gnomAD exomes 0.00007 and 0.00004; gnomAD 0.00009 and 0.00008; TOPMed 0.00009; ESP Exome Variant Server 0.00038; ExAC 0.00003.
gnomAD v4.1: 108 of 1,591,298 alleles (0.0068%); highest among the groups gnomAD compares: Non-Finnish European, 0.0088%; no homozygotes.

Submissions (7):

Labcorp Genetics (formerly Invitae), Labcorp
Classification: Likely benign for Marfan syndrome; Familial thoracic aortic aneurysm and aortic dissection. Last evaluated: 2025-10-03. Review status: criteria provided, single submitter. Criteria: Invitae Variant Classification Sherloc (09022015). Collection method: clinical testing. Allele origin: germline.

Women's Health and Genetics/Laboratory Corporation of America, LabCorp
Classification: Likely benign. Last evaluated: 2025-01-08. Review status: criteria provided, single submitter. Criteria: LabCorp Variant Classification Summary - May 2015. Collection method: clinical testing. Allele origin: germline.
Comment: Variant summary: FBN1 c.5225-13T>G alters a nucleotide located at a position not widely known to affect splicing. Consensus agreement among computation tools (TrAP) predict no significant impact on normal splicing. However, these predictions have yet to be confirmed by functional studies. The variant allele was found at a frequency of 3.6e-05 in 249896 control chromosomes. The available data on variant occurrences in the general population are insufficient to allow any conclusion about variant significance. c.5225-13T>G has been reported in the heterozygous state in the literature in at least 1 individual affected with familial thoracic aortic aneurysm and aortic dissection (example, Arnaud_2019) in the absence of segregation data. These data do not allow any conclusion about variant significance. To our knowledge, no experimental evidence demonstrating an impact on protein function has been reported. The following publication has been ascertained in the context of this evaluation (PMID: 30739908). ClinVar contains an entry for this variant (Variation ID: 379522). Based on the evidence outlined above, the variant was classified as likely benign.

All of Us Research Program, National Institutes of Health
Classification: Likely benign for Marfan syndrome. Last evaluated: 2023-12-18. Review status: criteria provided, single submitter. Criteria: ACMG Guidelines, 2015. Collection method: clinical testing. Allele origin: germline. Inheritance: Autosomal dominant inheritance. Observed: 16 variant alleles, 16 heterozygotes.
Comment: This study involves interpretation of variants in research participants for the purpose of population health screening. Participant phenotype was not available at the time of variant classification. Additional details can be found in publication PMID: 35346344, PMCID: PMC8962531

Blueprint Genetics
Classification: Likely benign. Last evaluated: 2023-11-30. Review status: criteria provided, single submitter. Criteria: ACMG Guidelines, 2015. Collection method: clinical testing. Allele origin: germline.

ARUP Laboratories, Molecular Genetics and Genomics, ARUP Laboratories
Classification: Likely benign. Last evaluated: 2022-02-01. Review status: criteria provided, single submitter. Criteria: ARUP Molecular Germline Variant Investigation Process 2021. Collection method: clinical testing. Allele origin: germline.

GeneDx
Classification: Likely benign. Last evaluated: 2020-09-02. Review status: criteria provided, single submitter. Criteria: GeneDx Variant Classification Process June 2021. Collection method: clinical testing. Allele origin: germline. Affected: yes.
Comment: This variant is associated with the following publications: (PMID: 30739908)

Color Diagnostics, LLC DBA Color Health
Classification: Likely benign for Familial thoracic aortic aneurysm and aortic dissection. Last evaluated: 2018-11-16. Review status: criteria provided, single submitter. Criteria: ACMG Guidelines, 2015. Collection method: clinical testing. Allele origin: germline.

Literature cited by the submitters: PubMed 30739908 (cited by Women's Health and Genetics/Laboratory Corporation of America, LabCorp).